The following is an entry in ClinVar:

ClinVar aggregate classification (germline): Likely pathogenic. Review status: criteria provided, multiple submitters, no conflicts (2 of 4 stars). 2 submissions from 2 submitters: Likely pathogenic (2). Last evaluated 2024-06-07.

Conditions:
Mucopolysaccharidosis, MPS-II (MPS2). Also called: Mucopolysaccharidosis with skin involvement; Mucopolysaccharidosis Type II; IDS deficiency; Sulfoiduronate sulfatase deficiency; SIDS deficiency; Mucopolysaccharidosis type 2. Identifiers: Orphanet 580, Orphanet 79388, MedGen C0026705, MONDO:0010674, OMIM 309900.

Submissions (2):

Laboratory of Diagnosis and Therapy of Lysosomal Disorders, University of Padova
Classification: Likely pathogenic for Mucopolysaccharidosis, MPS-II. Last evaluated: 2024-06-07. Review status: criteria provided, single submitter. Criteria: ACMG Guidelines, 2015. Collection method: literature only. Allele origin: germline. Affected: yes. Observed: 1 variant allele.
Comment: Absent from controls (or at low frequency) in gnomAD database (PM2_Moderate), Missense variant in a gene with a low rate of benign missense variation (PP2_Supporting), Multiple lines of computational evidence support a deleterious effect (PP3_Supporting), Patient’s phenotype or family history highly specific for the disease (PP4_Strong)

Classification method: ACMG Guidelines [PMID:25741868] with modifications

Labcorp Genetics (formerly Invitae), Labcorp
Classification: Likely pathogenic for Mucopolysaccharidosis, MPS-II. Last evaluated: 2022-01-03. Review status: criteria provided, single submitter. Criteria: Invitae Variant Classification Sherloc (09022015). Collection method: clinical testing. Allele origin: germline.
Comment: In summary, the currently available evidence indicates that the variant is pathogenic, but additional data are needed to prove that conclusively. Therefore, this variant has been classified as Likely Pathogenic. Advanced modeling of protein sequence and biophysical properties (such as structural, functional, and spatial information, amino acid conservation, physicochemical variation, residue mobility, and thermodynamic stability) performed at Invitae indicates that this missense variant is expected to disrupt IDS protein function. This missense change has been observed in individual(s) with mucopolysaccharidosis type II (PMID: 27351199; Invitae). This variant is not present in population databases (gnomAD no frequency). This sequence change replaces aspartic acid, which is acidic and polar, with tyrosine, which is neutral and polar, at codon 275 of the IDS protein (p.Asp275Tyr).

Literature cited by the submitters: PubMed 27351199 (cited by Laboratory of Diagnosis and Therapy of Lysosomal Disorders, University of Padova and Labcorp Genetics (formerly Invitae), Labcorp).

NM_000202.8(IDS):c.823G>T (p.Asp275Tyr)

Genes: IDS (iduronate 2-sulfatase; minus strand), LOC106050102 (IDS recombination region; plus strand). Cytogenetic location: Xq28.
Variant type: single nucleotide variant.
Coding change: c.823G>T on transcript NM_000202.8 (MANE Select); coding-DNA position 823, G replaced by T.
Protein change: p.Asp275Tyr; replaces aspartic acid 275 with tyrosine.
Molecular consequence: missense variant. On other transcripts: non-coding transcript variant (1).
Genome position (GRCh38, 1-based): chrX:149,496,402, C>A on the plus strand (G>T on the coding strand, the complement: IDS is on the minus strand). VCF-style: chrX-149496402-C-A. GRCh37 (hg19) VCF-style: chrX-148577933-C-A.
Other names: c.553G>T, p.Asp185Tyr (NM_001166550.4); c.823G>T, p.Asp275Tyr (NM_006123.5); short protein forms D275Y, D185Y.
Identifiers: ClinVar variation 2138751 (VCV002138751.6), dbSNP rs1803781, ClinGen allele CA414521860.